The following is an entry in ClinVar:

ClinVar aggregate classification (germline): Uncertain significance (1 of 4 stars; one submission).

Submission:

Dasa
Classification: Uncertain significance. Last evaluated: 2025-02-03. Review status: criteria provided, single submitter. Criteria: DASA Assertion Criteria. Collection method: clinical testing. Allele origin: germline.
Comment: NM_001393769.1(MED12L):c.1599G>C (p.Glu533Asp) is a missense variant that results in the substitution of glutamic acid with aspartic acid. This variant is absent from population databases. Computational prediction algorithms are consistent with a benign effect. The currently available literature and clinical evidence are not sufficient to establish a definitive association between this variant and the reported condition. Therefore, this variant is classified as a variant of uncertain significance.

NM_001393769.1(MED12L):c.1599G>C (p.Glu533Asp)

Gene: MED12L (mediator complex subunit 12L; plus strand). Cytogenetic location: 3q25.1.
Variant type: single nucleotide variant.
Coding change: c.1599G>C on transcript NM_001393769.1 (MANE Select); coding-DNA position 1599, G replaced by C.
Protein change: p.Glu533Asp; replaces glutamic acid 533 with aspartic acid.
Molecular consequence: missense variant.
Genome position (GRCh38, 1-based): chr3:151,185,434, G>C. VCF-style: chr3-151185434-G-C. GRCh37 (hg19) VCF-style: chr3-150903221-G-C.
Other names: c.1599G>C, p.Glu533Asp (NM_053002.6); short protein forms E533D.
Identifiers: ClinVar variation 4882103 (VCV004882103.2).
Genomic context (GRCh38, chr3:151,185,434, plus strand): 5'-GGCCGTGAGCTGCAAACGGTCTGGCAAGCACAGGGCCATGGCTGTGGCAAAACTCCTGGA[G>C]AAGAGGCAAGCAGAAATTGAGGCAGAGGTAGGTTCCATTTTCTTTCTGCTTGTTGAATGC-3'
Protein context (NP_001380698.1, residues 523-543): HRAMAVAKLL[Glu533Asp]KRQAEIEAER